The following is an entry in ClinVar:

ClinVar aggregate classification (germline): Likely benign. Review status: criteria provided, single submitter (1 of 4 stars). 3 submissions from 3 submitters: Likely benign (1). 2 of the submissions do not count toward it. Last evaluated 2025-09-15.

Conditions:
Glycogen storage disease, type VII (GSD7). Also called: MUSCLE PHOSPHOFRUCTOKINASE DEFICIENCY; PFKM DEFICIENCY; TARUI DISEASE; GSD VII. Identifiers: Orphanet 371, MedGen C0017926, MONDO:0009295, OMIM 232800.
PFKM-related disorder. Also called: PFKM-related condition.

Allele frequency attached by ClinVar (database versions not stated): gnomAD exomes 0.00002 and 0.00004; ExAC 0.00004; gnomAD 0.00007 and 0.00008; TOPMed 0.00011; ESP Exome Variant Server 0.00023.
gnomAD v4.1: 37 of 1,612,878 alleles (0.0023%); highest among the groups gnomAD compares: African/African-American, 0.021%; no homozygotes.

Submissions (3):

Labcorp Genetics (formerly Invitae), Labcorp
Classification: Likely benign for Glycogen storage disease, type VII. Last evaluated: 2025-09-15. Review status: criteria provided, single submitter. Criteria: Invitae Variant Classification Sherloc (09022015). Collection method: clinical testing. Allele origin: germline.

Natera, Inc.
Classification: Likely benign for Glycogen storage disease type VII. Last evaluated: 2020-04-14. Review status: no assertion criteria provided. Collection method: clinical testing. Allele origin: germline. Not counted in ClinVar's aggregate classification.

PreventionGenetics, part of Exact Sciences
Classification: Likely benign for PFKM-related condition. Last evaluated: 2019-04-01. Review status: no assertion criteria provided. Collection method: clinical testing. Allele origin: germline. Not counted in ClinVar's aggregate classification.
Comment: This variant is classified as likely benign based on ACMG/AMP sequence variant interpretation guidelines (Richards et al. 2015 PMID: 25741868, with internal and published modifications).

NM_000289.6(PFKM):c.1155C>T (p.Tyr385=)

Gene: PFKM (phosphofructokinase, muscle; plus strand). Cytogenetic location: 12q13.11.
Variant type: single nucleotide variant.
Coding change: c.1155C>T on transcript NM_000289.6 (MANE Select); coding-DNA position 1155, C replaced by T.
Protein change: p.Tyr385=; no amino-acid change (tyrosine 385 retained).
Molecular consequence: synonymous variant. On other transcripts: non-coding transcript variant (6).
Genome position (GRCh38, 1-based): chr12:48,139,876, C>T. VCF-style: chr12-48139876-C-T. GRCh37 (hg19) VCF-style: chr12-48533659-C-T.
Other names: c.1368C>T, p.Tyr456= (NM_001166686.2, NM_001354737.1, NM_001354738.1 and 1 more transcripts); c.1155C>T, p.Tyr385= (NM_001166687.2, NM_001166688.2, NM_001354742.2 and 2 more transcripts); c.1464C>T, p.Tyr488= (NM_001354735.1, NM_001354736.1); c.1299C>T, p.Tyr433= (NM_001354740.1); c.1179C>T, p.Tyr393= (NM_001354741.2); c.1068C>T, p.Tyr356= (NM_001354745.2); c.1029C>T, p.Tyr343= (NM_001354746.2); c.1005C>T, p.Tyr335= (NM_001354747.2, NM_001354748.2); and 2 more.
Identifiers: ClinVar variation 1137012 (VCV001137012.12), dbSNP rs146318448, ClinGen allele CA6537250.
Genomic context (GRCh38, chr12:48,139,876, plus strand): 5'-GAAGACACCTCTCTCTATTTGTACTTCCTACAGGAGCTTCATGAACAACTGGGAGGTGTA[C>T]AAGCTTCTAGCTCATGTCAGACCCCCGGTATCTAAGGTACTGGCAAGTTGACTTGCCCTC-3'
Protein context (NP_000280.1, residues 375-395): GRSFMNNWEV[Tyr385=]KLLAHVRPPV